The following is an entry in ClinVar:

ClinVar aggregate classification (germline): Uncertain significance (1 of 4 stars; one submission).

Allele frequency attached by ClinVar (database versions not stated): gnomAD 0.00001; 1000 Genomes Project 30x 0.00016.

Submission:

Ambry Genetics
Classification: Uncertain significance. Last evaluated: 2022-09-07. Review status: criteria provided, single submitter. Criteria: Ambry Variant Classification Scheme 2023. Collection method: clinical testing. Allele origin: germline.
Comment: The c.533T>C (p.L178P) alteration is located in exon (coding exon ) of the SH3RF3 gene. This alteration results from a T to C substitution at nucleotide position 533, causing the leucine (L) at amino acid position 178 to be replaced by a proline (P). Based on insufficient or conflicting evidence, the clinical significance of this alteration remains unclear.

NM_001099289.3(SH3RF3):c.533T>C (p.Leu178Pro)

Genes: RANBP2 (RAN binding protein 2; plus strand), SH3RF3 (SH3 domain containing ring finger 3; plus strand), SH3RF3-AS1 (SH3RF3 antisense RNA 1; minus strand). Cytogenetic location: 2q13.
Variant type: single nucleotide variant.
Coding change: c.533T>C on transcript NM_001099289.3 (MANE Select); coding-DNA position 533, T replaced by C.
Protein change: p.Leu178Pro; replaces leucine 178 with proline.
Molecular consequence: missense variant. On other transcripts: non-coding transcript variant (1).
Genome position (GRCh38, 1-based): chr2:109,130,073, T>C. VCF-style: chr2-109130073-T-C. GRCh37 (hg19) VCF-style: chr2-109746529-T-C.
Other names: short protein forms L178P.
Identifiers: ClinVar variation 2311431 (VCV002311431.2), dbSNP rs2104790573, ClinGen allele CA348118908.